The following is an entry in ClinVar:

NM_014795.4(ZEB2):c.1052del (p.Gly351fs)

Gene: ZEB2 (zinc finger E-box binding homeobox 2; minus strand). Cytogenetic location: 2q22.3.
Variant type: Deletion.
Coding change: c.1052del on transcript NM_014795.4 (MANE Select); coding-DNA position 1052, one base deleted (G; older notation c.1052delG).
Protein change: p.Gly351fs; shifts the reading frame from glycine 351.
Molecular consequence: frameshift variant.
Genome position (GRCh38, 1-based): chr2:144,400,135, C deleted on the plus strand (G on the coding strand, the reverse complement: ZEB2 is on the minus strand); the first of 3 consecutive C bases (chr2:144,400,135-144,400,137); deleting any one gives the same sequence. VCF-style (leftmost placement, unchanged base first): chr2-144400134-AC-A. GRCh37 (hg19) VCF-style: chr2-145157701-AC-A.
Other names: c.980del, p.Gly327fs (NM_001171653.2); short protein forms G327fs, G351fs.
Identifiers: ClinVar variation 1320255 (VCV001320255.3), dbSNP rs2149877492, ClinGen allele CA2573051661.

ClinVar aggregate classification (germline): Pathogenic. Review status: criteria provided, multiple submitters, no conflicts (2 of 4 stars). 2 submissions from 2 submitters: Pathogenic (2). Last evaluated 2023-10-20.

Conditions:
Mowat-Wilson syndrome (MOWS). Also called: Classic Mowat-Wilson Syndrome. Identifiers: Orphanet 2152, MedGen C1856113, MONDO:0009341, OMIM 235730.

Submissions (2):

Medical Genetics Unit, Azienda USL-IRCCS di Reggio Emilia
Classification: Pathogenic for Mowat-Wilson syndrome. Last evaluated: 2023-10-20. Review status: criteria provided, single submitter. Criteria: ACMG Guidelines, 2015. Collection method: clinical testing. Allele origin: de novo. Affected: yes. Observed: 1 variant allele.
Comment: Heterozygous variant associated with Mowat-Wilson syndrome in at least 1 individual. ACMG/AMP criteria PVS1, PS2, PM2, PP4

3billion
Classification: Pathogenic for Mowat-Wilson syndrome. Last evaluated: 2021-10-02. Review status: criteria provided, single submitter. Criteria: ACMG Guidelines, 2015. Collection method: clinical testing. Allele origin: germline. Affected: yes. Observed: 1 heterozygote.
Comment: Frameshift: predicted to result in a loss or disruption of normal protein function through nonsense-mediated decay (NMD) or protein truncation. Multiple pathogenic variants are reported downstream of the variant (PVS1_VS). It is not observed in the gnomAD v2.1.1 dataset (PM2). The variant was observed as assumed (i.e. paternity and maternity not confirmed) de novoo (3billion dataset, PM6). Therefore, this variant is classified as pathogenic according to the recommendation of ACMG/AMP guideline.

Literature cited by the submitters: PubMed 29300384 (cited by Medical Genetics Unit, Azienda USL-IRCCS di Reggio Emilia).